The following is an entry in ClinVar:

ClinVar aggregate classification (germline): Pathogenic/Likely pathogenic. Review status: criteria provided, multiple submitters, no conflicts (2 of 4 stars). 4 submissions from 4 submitters: Pathogenic (3); Likely pathogenic (1). Last evaluated 2026-07-08.

Conditions:
Hereditary cancer-predisposing syndrome. Also called: Hereditary Cancer Syndrome; Tumor predisposition; Hereditary neoplastic syndrome; Neoplastic Syndromes, Hereditary. Identifiers: Orphanet 140162, MedGen C0027672, MeSH D009386, MONDO:0015356.
Familial adenomatous polyposis 1 (FAP1). Also called: FAMILIAL ADENOMATOUS POLYPOSIS 1, ATTENUATED; POLYPOSIS, ADENOMATOUS INTESTINAL. Identifiers: MedGen C2713442, MONDO:0021056, OMIM 175100. Disease mechanism: loss of function.

Submissions (4):

Institute of Human Genetics, University of Leipzig Medical Center
Classification: Pathogenic for Familial adenomatous polyposis 1. Last evaluated: 2026-07-08. Review status: criteria provided, single submitter. Criteria: ACMG Guidelines, 2015. Collection method: clinical testing. Allele origin: unknown. Affected: yes.
Comment: Criteria applied: PS3_MOD,PS4,PP1_MOD,PM2_SUP,PP3

Myriad Genetics, Inc.
Classification: Likely pathogenic for Familial adenomatous polyposis 1. Last evaluated: 2026-04-01. Review status: criteria provided, single submitter. Criteria: Myriad Autosomal Dominant, Autosomal Recessive and X-Linked Classification Criteria (2023). Collection method: clinical testing. Allele origin: unknown.
Comment: This variant is considered likely pathogenic. This variant has shown to segregate with cancer in one or more families [PMID: 38564685]. mRNA analysis has demonstrated abnormal mRNA splicing occurs [PMID: 38564685].

Labcorp Genetics (formerly Invitae), Labcorp
Classification: Pathogenic for Familial adenomatous polyposis 1. Last evaluated: 2024-11-20. Review status: criteria provided, single submitter. Criteria: Invitae Variant Classification Sherloc (09022015). Collection method: clinical testing. Allele origin: germline.
Comment: This sequence change falls in intron 9 of the APC gene. It does not directly change the encoded amino acid sequence of the APC protein. RNA analysis indicates that this variant induces altered splicing and may result in an absent or altered protein product. This variant is not present in population databases (gnomAD no frequency). This variant has been observed in individual(s) with familial adenomatous polyposis (internal data). ClinVar contains an entry for this variant (Variation ID: 823173). Studies have shown that this variant results in activation of a cryptic splice site, and produces a non-functional protein and/or introduces a premature termination codon (internal data). For these reasons, this variant has been classified as Pathogenic.

Ambry Genetics
Classification: Pathogenic for Hereditary cancer-predisposing syndrome. Last evaluated: 2024-04-09. Review status: criteria provided, single submitter. Criteria: Ambry Variant Classification Scheme 2023. Collection method: clinical testing. Allele origin: germline.
Comment: The c.933+829A>G intronic pathogenic variant results from an A to G substitution 829 nucleotides after coding exon 8 in the APC gene. This nucleotide position is well conserved on limited sequence alignment. This alteration has been observed in multiple individuals with a personal and/or family history that is consistent with APC-related disease (Ambry internal data; Young, CC et al. JCO Precis Oncol 2024 Mar;8:e2300404). In silico splice site analysis predicts that this alteration may result in the creation or strengthening of a novel splice donor site. RNA studies have demonstrated that this alteration results in abnormal splicing in the set of samples tested (Ambry internal data; personal communication). Based on the supporting evidence, this alteration is interpreted as a disease-causing mutation.

Literature cited by the submitters: PubMed 38564685 (cited by Myriad Genetics, Inc. and Ambry Genetics); PubMed 22431159 (cited by Ambry Genetics).

NM_000038.6(APC):c.933+829A>G

Gene: APC (APC regulator of Wnt signaling pathway; plus strand). Cytogenetic location: 5q22.2.
Variant type: single nucleotide variant.
Coding change: c.933+829A>G on transcript NM_000038.6 (MANE Select); 829 bases into the intron after coding-DNA position 933, A replaced by G.
Molecular consequence: intron variant.
Genome position (GRCh38, 1-based): chr5:112,816,422, A>G. VCF-style: chr5-112816422-A-G. GRCh37 (hg19) VCF-style: chr5-112152119-A-G.
Other names: c.933+829A>G (NM_001354895.2, NM_001127510.3, NM_001354896.2 and 1 more transcripts); c.963+829A>G (NM_001354897.2, NM_001354902.2); c.879+829A>G (NM_001127511.3); c.858+829A>G (NM_001354898.2, NM_001354904.2); c.84+829A>G (NM_001354906.2); c.849+829A>G (NM_001354899.2); c.756+829A>G (NM_001354900.2, NM_001354901.2, NM_001354905.2).
Identifiers: ClinVar variation 823173 (VCV000823173.10), dbSNP rs1580516055, ClinGen allele CA915943471.
Genomic context (GRCh38, chr5:112,816,422, plus strand): 5'-GAGTAAATATGTATTGAGGTGAATGGAAAAATTGTTGAAGTTGAGTGTTATTTCATGCTG[A>G]TAAGTGAGCTTTCTTAGAGTATCTTTCTTAGATGTTAGCAAATATTTTAGGATTTGGGAA-3'